The following is an entry in ClinVar:

ClinVar aggregate classification (germline): Uncertain significance (1 of 4 stars; one submission).

Conditions:
Charcot-Marie-Tooth disease type 2. Also called: Charcot-Marie-Tooth type 2. Identifiers: Orphanet 64746, MedGen C0270914, MONDO:0018993.

gnomAD v4.1: 1 of 1,614,212 alleles (0.000062%); highest among the groups gnomAD compares: African/African-American, 0.0013%; no homozygotes.

Submission:

Labcorp Genetics (formerly Invitae), Labcorp
Classification: Uncertain significance for Charcot-Marie-Tooth disease type 2. Last evaluated: 2024-08-01. Review status: criteria provided, single submitter. Criteria: Invitae Variant Classification Sherloc (09022015). Collection method: clinical testing. Allele origin: germline.
Comment: This sequence change replaces lysine, which is basic and polar, with threonine, which is neutral and polar, at codon 550 of the AARS protein (p.Lys550Thr). This variant is not present in population databases (gnomAD no frequency). This variant has not been reported in the literature in individuals affected with AARS-related conditions. Advanced modeling of protein sequence and biophysical properties (such as structural, functional, and spatial information, amino acid conservation, physicochemical variation, residue mobility, and thermodynamic stability) performed at Invitae indicates that this missense variant is not expected to disrupt AARS protein function with a negative predictive value of 95%. In summary, the available evidence is currently insufficient to determine the role of this variant in disease. Therefore, it has been classified as a Variant of Uncertain Significance.

NM_001605.3(AARS1):c.1649A>C (p.Lys550Thr)

Gene: AARS1 (alanyl-tRNA synthetase 1; minus strand). Cytogenetic location: 16q22.1.
Variant type: single nucleotide variant.
Coding change: c.1649A>C on transcript NM_001605.3 (MANE Select); coding-DNA position 1649, A replaced by C.
Protein change: p.Lys550Thr; replaces lysine 550 with threonine.
Molecular consequence: missense variant.
Genome position (GRCh38, 1-based): chr16:70,262,368, T>G on the plus strand (A>C on the coding strand, the complement: AARS1 is on the minus strand). VCF-style: chr16-70262368-T-G. GRCh37 (hg19) VCF-style: chr16-70296271-T-G.
Other names: short protein forms K550T.
Identifiers: ClinVar variation 3690390 (VCV003690390.2).